The following is an entry in ClinVar:

ClinVar aggregate classification (germline): Uncertain significance (1 of 4 stars; one submission).

Allele frequency attached by ClinVar (database versions not stated): gnomAD 0.00001.
gnomAD v4.1: 1 of 1,613,920 alleles (0.000062%); highest among the groups gnomAD compares: South Asian, 0.0011%; no homozygotes.

Submission:

Labcorp Genetics (formerly Invitae), Labcorp
Classification: Uncertain significance. Last evaluated: 2021-08-18. Review status: criteria provided, single submitter. Criteria: Invitae Variant Classification Sherloc (09022015). Collection method: clinical testing. Allele origin: germline.
Comment: In summary, the available evidence is currently insufficient to determine the role of this variant in disease. Therefore, it has been classified as a Variant of Uncertain Significance. Algorithms developed to predict the effect of missense changes on protein structure and function (SIFT, PolyPhen-2, Align-GVGD) all suggest that this variant is likely to be tolerated. This variant has not been reported in the literature in individuals affected with NRXN2-related conditions. This variant is not present in population databases (ExAC no frequency). This sequence change replaces isoleucine with valine at codon 1046 of the NRXN2 protein (p.Ile1046Val). The isoleucine residue is highly conserved and there is a small physicochemical difference between isoleucine and valine.

NM_015080.4(NRXN2):c.3256A>G (p.Ile1086Val)

Gene: NRXN2 (neurexin 2; minus strand). Cytogenetic location: 11q13.1.
Variant type: single nucleotide variant.
Coding change: c.3256A>G on transcript NM_015080.4 (MANE Select); coding-DNA position 3256, A replaced by G.
Protein change: p.Ile1086Val; replaces isoleucine 1086 with valine.
Molecular consequence: missense variant.
Genome position (GRCh38, 1-based): chr11:64,648,761, T>C on the plus strand (A>G on the coding strand, the complement: NRXN2 is on the minus strand). VCF-style: chr11-64648761-T-C. GRCh37 (hg19) VCF-style: chr11-64416233-T-C.
Other names: c.3256A>G, p.Ile1086Val (NM_001376262.1); c.3235A>G, p.Ile1079Val (NM_001376263.1, NM_001376267.1); c.3211A>G, p.Ile1071Val (NM_001376265.1); c.3232A>G, p.Ile1078Val (NM_001376266.1); c.3136A>G, p.Ile1046Val (NM_138732.3); short protein forms I1079V, I1086V, I1046V, I1071V, I1078V.
Identifiers: ClinVar variation 1489457 (VCV001489457.6), dbSNP rs1413436509, ClinGen allele CA381107104.